The following is an entry in ClinVar:

NM_007375.4(TARDBP):c.208A>G (p.Asn70Asp)

Gene: TARDBP (TAR DNA binding protein; plus strand). Cytogenetic location: 1p36.22.
Variant type: single nucleotide variant.
Coding change: c.208A>G on transcript NM_007375.4 (MANE Select); coding-DNA position 208, A replaced by G.
Protein change: p.Asn70Asp; replaces asparagine 70 with aspartic acid.
Molecular consequence: missense variant.
Genome position (GRCh38, 1-based): chr1:11,013,935, A>G. VCF-style: chr1-11013935-A-G. GRCh37 (hg19) VCF-style: chr1-11073992-A-G.
Other names: short protein forms N70D.
Identifiers: ClinVar variation 941988 (VCV000941988.9), dbSNP rs1643465434, ClinGen allele CA338356403.

ClinVar aggregate classification (germline): Uncertain significance (1 of 4 stars; one submission).

Conditions:
Amyotrophic lateral sclerosis type 10 (ALS10). Also called: AMYOTROPHIC LATERAL SCLEROSIS 10 WITHOUT FRONTOTEMPORAL DEMENTIA AND WITH TDP43 INCLUSIONS; AMYOTROPHIC LATERAL SCLEROSIS 10 WITH OR WITHOUT FRONTOTEMPORAL DEMENTIA AND WITH TDP43 INCLUSIONS; AMYOTROPHIC LATERAL SCLEROSIS 10 WITH OR WITHOUT FRONTOTEMPORAL DEMENTIA; Amyotrophic lateral sclerosis 10, with or without FTD; TARDBP-Related Amyotrophic Lateral Sclerosis-Frontotemporal Dementia. Identifiers: Orphanet 275872, Orphanet 803, MedGen C2677565, MONDO:0012790, OMIM 612069.
FRONTOTEMPORAL LOBAR DEGENERATION WITH TDP43 INCLUSIONS, TARDBP-RELATED. Also called: Frontotemporal lobar degeneration, TARDBP-related. Identifiers: MedGen C3150169, OMIM 612069.

Submission:

Labcorp Genetics (formerly Invitae), Labcorp
Classification: Uncertain significance for Amyotrophic lateral sclerosis type 10; FRONTOTEMPORAL LOBAR DEGENERATION WITH TDP43 INCLUSIONS, TARDBP-RELATED. Last evaluated: 2019-10-19. Review status: criteria provided, single submitter. Criteria: Invitae Variant Classification Sherloc (09022015). Collection method: clinical testing. Allele origin: germline.
Comment: Algorithms developed to predict the effect of missense changes on protein structure and function (SIFT, PolyPhen-2, Align-GVGD) all suggest that this variant is likely to be tolerated, but these predictions have not been confirmed by published functional studies and their clinical significance is uncertain. In summary, the available evidence is currently insufficient to determine the role of this variant in disease. Therefore, it has been classified as a Variant of Uncertain Significance. This variant has not been reported in the literature in individuals with TARDBP-related conditions. This sequence change replaces asparagine with aspartic acid at codon 70 of the TARDBP protein (p.Asn70Asp). The asparagine residue is highly conserved and there is a small physicochemical difference between asparagine and aspartic acid. This variant is not present in population databases (ExAC no frequency).